The following is an entry in ClinVar:

NM_016247.4(IMPG2):c.224G>A (p.Trp75Ter)

Gene: IMPG2 (interphotoreceptor matrix proteoglycan 2; minus strand). Cytogenetic location: 3q12.3.
Variant type: single nucleotide variant.
Coding change: c.224G>A on transcript NM_016247.4 (MANE Select); coding-DNA position 224, G replaced by A.
Protein change: p.Trp75Ter; replaces tryptophan 75 with a stop codon.
Molecular consequence: nonsense.
Genome position (GRCh38, 1-based): chr3:101,319,694, C>T on the plus strand (G>A on the coding strand, the complement: IMPG2 is on the minus strand). VCF-style: chr3-101319694-C-T. GRCh37 (hg19) VCF-style: chr3-101038538-C-T.
Other names: short protein forms W75*.
Identifiers: ClinVar variation 1069770 (VCV001069770.8), dbSNP rs1263954282, ClinGen allele CA353858137.

ClinVar aggregate classification (germline): Pathogenic/Likely pathogenic. Review status: criteria provided, multiple submitters, no conflicts (2 of 4 stars). 2 submissions from 2 submitters: Pathogenic (1); Likely pathogenic (1). Last evaluated 2021-09-29.

Conditions:
IMPG2-related disorders.

gnomAD v4.1: 1 of 1,613,602 alleles (0.000062%); highest among the groups gnomAD compares: African/African-American, 0.0013%; no homozygotes.

Submissions (2):

Labcorp Genetics (formerly Invitae), Labcorp
Classification: Pathogenic. Last evaluated: 2021-09-29. Review status: criteria provided, single submitter. Criteria: Invitae Variant Classification Sherloc (09022015). Collection method: clinical testing. Allele origin: germline.
Comment: For these reasons, this variant has been classified as Pathogenic. Loss-of-function variants in IMPG2 are known to be pathogenic (PMID: 20673862). This variant has not been reported in the literature in individuals with IMPG2-related conditions. This variant is not present in population databases (ExAC no frequency). This sequence change creates a premature translational stop signal (p.Trp75*) in the IMPG2 gene. It is expected to result in an absent or disrupted protein product.

Blueprint Genetics
Classification: Likely pathogenic for IMPG2-related disorders. Last evaluated: 2019-03-11. Review status: criteria provided, single submitter. Criteria: ACMG Guidelines, 2015. Collection method: clinical testing. Allele origin: germline. Affected: yes. Observed: 1 variant allele.

Literature cited by the submitters: PubMed 20673862 (cited by Labcorp Genetics (formerly Invitae), Labcorp).